The following is an entry in ClinVar:

NM_000414.4(HSD17B4):c.1274G>A (p.Cys425Tyr)

Gene: HSD17B4 (hydroxysteroid 17-beta dehydrogenase 4; plus strand). Cytogenetic location: 5q23.1.
Variant type: single nucleotide variant.
Coding change: c.1274G>A on transcript NM_000414.4 (MANE Select); coding-DNA position 1274, G replaced by A.
Protein change: p.Cys425Tyr; replaces cysteine 425 with tyrosine.
Molecular consequence: missense variant. On other transcripts: non-coding transcript variant (2), intron variant (1).
Genome position (GRCh38, 1-based): chr5:119,506,830, G>A. VCF-style: chr5-119506830-G-A. GRCh37 (hg19) VCF-style: chr5-118842525-G-A.
Other names: c.1349G>A, p.Cys450Tyr (NM_001199291.3); c.1220G>A, p.Cys407Tyr (NM_001199292.2); c.1202G>A, p.Cys401Tyr (NM_001292027.2); c.854G>A, p.Cys285Tyr (NM_001292028.2); c.1265G>A, p.Cys422Tyr (NM_001374497.1); c.947G>A, p.Cys316Tyr (NM_001374499.1); c.833G>A, p.Cys278Tyr (NM_001374500.1); c.863G>A, p.Cys288Tyr (NM_001374501.1, NM_001374502.1, NM_001374503.1); and 1 more; short protein forms C278Y, C285Y, C288Y, C316Y, C401Y, C407Y, C422Y, C425Y.
Identifiers: ClinVar variation 4069529 (VCV004069529.2).

ClinVar aggregate classification (germline): Uncertain significance. Review status: criteria provided, single submitter (1 of 4 stars). 2 submissions from 2 submitters: Uncertain significance (1). 1 of the submissions does not count toward it. Last evaluated 2024-11-14.

Conditions:
Bifunctional peroxisomal enzyme deficiency (DBIF). Also called: DBP DEFICIENCY; PBFE DEFICIENCY; D-bifunctional protein deficiency. Identifiers: Orphanet 300, MedGen C0342870, MONDO:0009855, OMIM 261515. Disease mechanism: loss of function.

Submissions (2):

3billion
Classification: Uncertain significance for Bifunctional peroxisomal enzyme deficiency. Last evaluated: 2024-11-14. Review status: criteria provided, single submitter. Criteria: ACMG Guidelines, 2015. Collection method: clinical testing. Allele origin: germline. Affected: yes.
Comment: The variant is not observed in the gnomAD v4.1.0 dataset. Predicted Consequence/Location: Missense variant. In silico tool predictions suggest damaging effect of the variant on gene or gene product [3Cnet: 0.96 (>=0.6, sensitivity 0.72 and precision 0.9)]. A different missense change at the same codon (p.Cys425Arg) has been reported to be associated with HSD17B4 related disorder (PMID: 34440436). However the evidence of pathogenicity is insufficient at this time. Therefore, this variant is classified as VUS according to the recommendation of ACMG/AMP guideline.

Natera, Inc.
Classification: Uncertain significance for Bifunctional peroxisomal enzyme deficiency. Last evaluated: 2025-04-10. Review status: no assertion criteria provided. Collection method: clinical testing. Allele origin: germline. Not counted in ClinVar's aggregate classification.

Literature cited by the submitters: PubMed 34440436 (cited by 3billion).